The following is an entry in ClinVar:

ClinVar aggregate classification (germline): Uncertain significance (1 of 4 stars; one submission).

Conditions:
BAP1-related tumor predisposition syndrome (TPDS1). Also called: COMMON Syndrome; TUMOR PREDISPOSITION SYNDROME 1; BAP1 tumor predisposition syndrome; Tumor susceptibility linked to germline BAP1 mutations. Identifiers: Orphanet 289539, MedGen C3280492, MONDO:0013692, OMIM 614327.

Submission:

Labcorp Genetics (formerly Invitae), Labcorp
Classification: Uncertain significance for BAP1-related tumor predisposition syndrome. Last evaluated: 2021-09-04. Review status: criteria provided, single submitter. Criteria: Invitae Variant Classification Sherloc (09022015). Collection method: clinical testing. Allele origin: germline.
Comment: This sequence change replaces phenylalanine with cysteine at codon 82 of the BAP1 protein (p.Phe82Cys). The phenylalanine residue is highly conserved and there is a large physicochemical difference between phenylalanine and cysteine. This variant is not present in population databases (ExAC no frequency). This variant has not been reported in the literature in individuals affected with BAP1-related conditions. Algorithms developed to predict the effect of missense changes on protein structure and function (SIFT, PolyPhen-2, Align-GVGD) all suggest that this variant is likely to be disruptive. In summary, the available evidence is currently insufficient to determine the role of this variant in disease. Therefore, it has been classified as a Variant of Uncertain Significance.

NM_004656.4(BAP1):c.245T>G (p.Phe82Cys)

Gene: BAP1 (BRCA1 associated deubiquitinase 1; minus strand). Cytogenetic location: 3p21.1.
Variant type: single nucleotide variant.
Coding change: c.245T>G on transcript NM_004656.4 (MANE Select); coding-DNA position 245, T replaced by G.
Protein change: p.Phe82Cys; replaces phenylalanine 82 with cysteine.
Molecular consequence: missense variant.
Genome position (GRCh38, 1-based): chr3:52,408,484, A>C on the plus strand (T>G on the coding strand, the complement: BAP1 is on the minus strand). VCF-style: chr3-52408484-A-C. GRCh37 (hg19) VCF-style: chr3-52442500-A-C.
Other names: short protein forms F82C.
Identifiers: ClinVar variation 1450353 (VCV001450353.6), dbSNP rs2153228282, ClinGen allele CA353112896.
Genomic context (GRCh38, chr3:52,408,484, plus strand): 5'-AAAACATGGCAGCATCCCACCCTCCAAACAAAGCACAGAGTCCAGCAGACCTGGTGGGCA[A>C]AGAACATGTTATTCACAATATCATCATCAATCACGGACGTATCATCCACCAAGGTAGAGA-3'
Protein context (NP_004647.1, residues 72-92): IDDDIVNNMF[Phe82Cys]AHQLIPNSCA